The following is an entry in ClinVar:

ClinVar aggregate classification (germline): Uncertain significance. Review status: criteria provided, multiple submitters, no conflicts (2 of 4 stars). 2 submissions from 2 submitters: Uncertain significance (2). Last evaluated 2025-10-02.

Conditions:
Neurodevelopmental disorder with or without anomalies of the brain, eye, or heart (NEDBEH). Identifiers: Orphanet 494344, MedGen C5567477, MONDO:0014857, OMIM 616975.

Allele frequency attached by ClinVar (database versions not stated): gnomAD exomes 0.00001 and below 0.00001; TOPMed below 0.00001; ExAC 0.00001.
gnomAD v4.1: 3 of 1,598,824 alleles (0.00019%); highest among the groups gnomAD compares: Middle Eastern, 0.017%; no homozygotes.

Submissions (2):

Labcorp Genetics (formerly Invitae), Labcorp
Classification: Uncertain significance. Last evaluated: 2025-10-02. Review status: criteria provided, single submitter. Criteria: Invitae Variant Classification Sherloc (09022015). Collection method: clinical testing. Allele origin: germline.
Comment: This sequence change replaces alanine, which is neutral and non-polar, with threonine, which is neutral and polar, at codon 1506 of the RERE protein (p.Ala1506Thr). The frequency data for this variant in the population databases is considered unreliable, as metrics indicate poor data quality at this position in the gnomAD database. This variant has not been reported in the literature in individuals affected with RERE-related conditions. ClinVar contains an entry for this variant (Variation ID: 1504318). Invitae Evidence Modeling of protein sequence and biophysical properties (such as structural, functional, and spatial information, amino acid conservation, physicochemical variation, residue mobility, and thermodynamic stability) has been performed for this missense variant. However, the output from this modeling did not meet the statistical confidence thresholds required to predict the impact of this variant on RERE protein function. In summary, the available evidence is currently insufficient to determine the role of this variant in disease. Therefore, it has been classified as a Variant of Uncertain Significance.

Department of Pathology and Laboratory Medicine, Sinai Health System
Classification: Uncertain significance for Neurodevelopmental disorder with or without anomalies of the brain, eye, or heart. Last evaluated: 2023-01-25. Review status: criteria provided, single submitter. Criteria: ACMG Guidelines, 2015. Collection method: research. Allele origin: germline.

NM_001042681.2(RERE):c.4516G>A (p.Ala1506Thr)

Gene: RERE (arginine-glutamic acid dipeptide repeats; minus strand). Cytogenetic location: 1p36.23.
Variant type: single nucleotide variant.
Coding change: c.4516G>A on transcript NM_001042681.2 (MANE Select); coding-DNA position 4516, G replaced by A.
Protein change: p.Ala1506Thr; replaces alanine 1506 with threonine.
Molecular consequence: missense variant.
Genome position (GRCh38, 1-based): chr1:8,355,570, C>T on the plus strand (G>A on the coding strand, the complement: RERE is on the minus strand). VCF-style: chr1-8355570-C-T. GRCh37 (hg19) VCF-style: chr1-8415630-C-T.
Other names: c.2854G>A, p.Ala952Thr (NM_001042682.2); c.4516G>A, p.Ala1506Thr (NM_012102.4); short protein forms A1506T, A952T.
Identifiers: ClinVar variation 1504318 (VCV001504318.9), dbSNP rs748768097, ClinGen allele CA570754.
Genomic context (GRCh38, chr1:8,355,570, plus strand): 5'-CGGCCGACTGGGCATGCATGGCCTGCAGCTGGTGGGCTGCTGACATGGGGGGTGGGATGG[C>T]CCCAGGCAGGTCACGGGGGTAGGGGGTGCCTGCCGAACACAAAACAACCTGCGCTACAGA-3'
Protein context (NP_001036146.1, residues 1496-1516): GTPYPRDLPG[Ala1506Thr]IPPPMSAAHQ